The following is an entry in ClinVar:

ClinVar aggregate classification (germline): Uncertain significance. Review status: criteria provided, multiple submitters, no conflicts (2 of 4 stars). 4 submissions from 4 submitters: Uncertain significance (3). 1 of the submissions does not count toward it. Last evaluated 2025-02-25.

Conditions:
NPC1-related disorder. Also called: NPC1-related condition.
Niemann-Pick disease, type C1. Also called: NEUROVISCERAL STORAGE DISEASE WITH VERTICAL SUPRANUCLEAR OPHTHALMOPLEGIA; NIEMANN-PICK DISEASE WITH CHOLESTEROL ESTERIFICATION BLOCK; NIEMANN-PICK DISEASE WITHOUT SPHINGOMYELINASE DEFICIENCY; NIEMANN-PICK DISEASE, CHRONIC NEURONOPATHIC FORM; NIEMANN-PICK DISEASE, VARIANT TYPE C1. Identifiers: Orphanet 646, MedGen C3179455, MONDO:0009757, OMIM 257220.

Allele frequency attached by ClinVar (database versions not stated): gnomAD exomes 0.00007 and 0.00010; ExAC 0.00012.
gnomAD v4.1: 111 of 1,614,186 alleles (0.0069%); highest among the groups gnomAD compares: South Asian, 0.12%; 5 homozygotes.

Submissions (4):

PreventionGenetics, part of Exact Sciences
Classification: Uncertain significance for NPC1-related condition. Last evaluated: 2025-02-25. Review status: criteria provided, single submitter. Criteria: ACMG Guidelines, 2015. Collection method: clinical testing. Allele origin: germline.
Comment: The NPC1 c.2349G>C variant is predicted to result in the amino acid substitution p.Leu783Phe. To our knowledge, this variant has not been reported in the literature. This variant is reported in 0.082% of alleles in individuals of South Asian descent in gnomAD. Although we suspect that this variant may be benign, at this time, the clinical significance of this variant is uncertain due to the absence of conclusive functional and genetic evidence.

Labcorp Genetics (formerly Invitae), Labcorp
Classification: Uncertain significance for Niemann-Pick disease, type C1. Last evaluated: 2024-02-17. Review status: criteria provided, single submitter. Criteria: Invitae Variant Classification Sherloc (09022015). Collection method: clinical testing. Allele origin: germline.
Comment: This sequence change replaces leucine, which is neutral and non-polar, with phenylalanine, which is neutral and non-polar, at codon 783 of the NPC1 protein (p.Leu783Phe). This variant is present in population databases (rs759628748, gnomAD 0.08%). This variant has not been reported in the literature in individuals affected with NPC1-related conditions. ClinVar contains an entry for this variant (Variation ID: 326262). Advanced modeling of protein sequence and biophysical properties (such as structural, functional, and spatial information, amino acid conservation, physicochemical variation, residue mobility, and thermodynamic stability) performed at Invitae indicates that this missense variant is expected to disrupt NPC1 protein function with a positive predictive value of 95%. In summary, the available evidence is currently insufficient to determine the role of this variant in disease. Therefore, it has been classified as a Variant of Uncertain Significance.

Illumina Laboratory Services, Illumina
Classification: Uncertain significance for Niemann-Pick disease type C1. Last evaluated: 2018-01-12. Review status: criteria provided, single submitter. Criteria: ICSL Variant Classification Criteria 13 December 2019. Collection method: clinical testing. Allele origin: germline.

Natera, Inc.
Classification: Uncertain significance for Niemann-Pick disease type C1. Last evaluated: 2019-10-28. Review status: no assertion criteria provided. Collection method: clinical testing. Allele origin: germline. Not counted in ClinVar's aggregate classification.

NM_000271.5(NPC1):c.2349G>C (p.Leu783Phe)

Gene: NPC1 (NPC intracellular cholesterol transporter 1; minus strand). Cytogenetic location: 18q11.2.
Variant type: single nucleotide variant.
Coding change: c.2349G>C on transcript NM_000271.5 (MANE Select); coding-DNA position 2349, G replaced by C.
Protein change: p.Leu783Phe; replaces leucine 783 with phenylalanine.
Molecular consequence: missense variant.
Genome position (GRCh38, 1-based): chr18:23,541,330, C>G on the plus strand (G>C on the coding strand, the complement: NPC1 is on the minus strand). VCF-style: chr18-23541330-C-G. GRCh37 (hg19) VCF-style: chr18-21121294-C-G.
Other names: short protein forms L783F.
Identifiers: ClinVar variation 326262 (VCV000326262.13), dbSNP rs759628748, ClinGen allele CA8913139.